The following is an entry in ClinVar:

NM_206933.4(USH2A):c.1645-2A>C

Gene: USH2A (usherin; minus strand). Cytogenetic location: 1q41.
Variant type: single nucleotide variant.
Coding change: c.1645-2A>C on transcript NM_206933.4 (MANE Select); the canonical splice acceptor site of the intron before coding-DNA position 1645, A replaced by C.
Molecular consequence: splice acceptor variant.
Genome position (GRCh38, 1-based): chr1:216,292,372, T>G on the plus strand (A>C on the coding strand, the complement: USH2A is on the minus strand). VCF-style: chr1-216292372-T-G. GRCh37 (hg19) VCF-style: chr1-216465714-T-G.
Other names: c.1645-2A>C (NM_206933.2, NM_007123.6).
Identifiers: ClinVar variation 3028743 (VCV003028743.3), dbSNP rs2528257197, ClinGen allele CA344903662.

ClinVar aggregate classification (germline): Pathogenic/Likely pathogenic. Review status: criteria provided, multiple submitters, no conflicts (2 of 4 stars). 3 submissions from 3 submitters: Pathogenic (2); Likely pathogenic (1). Last evaluated 2025-07-11.

Conditions:
Retinal dystrophy. Also called: Inherited retinal dystrophy. Identifiers: Orphanet 71862, MedGen C0854723, MeSH D058499, MONDO:0019118, HP:0000556.
Usher syndrome type 2A. Also called: RETINAL DISEASE IN USHER SYNDROME TYPE IIA, MODIFIER OF; USHER SYNDROME, TYPE IIA. Identifiers: Orphanet 231178, Orphanet 886, MedGen C1848634, MONDO:0010169, OMIM 276901.
Retinitis pigmentosa 39 (RP39). Identifiers: Orphanet 791, MedGen C3151138, MONDO:0013436, OMIM 613809.

Submissions (3):

Natera, Inc.
Classification: Pathogenic for Usher syndrome type 2A. Last evaluated: 2025-07-11. Review status: criteria provided, single submitter. Criteria: Natera Variant Classification Schema (03/2026). Collection method: clinical testing. Allele origin: germline.
Comment: The c.1645-2A>C variant in USH2A is a canonical splice acceptor site variant predicted to affect pre-mRNA splicing, which may result in an abnormal transcript and altered protein product. This variant is expected to result in nonsense mediated decay, truncation, or a dysfunctional protein product. This variant is rare in the general population with a frequency below the threshold expected for the associated phenotype(s). Another variant at this same site results in an alteration predicted to cause a similar molecular effect has been observed in individual(s) with the associated phenotype. Given the available evidence, this variant is classified as Pathogenic.

Fulgent Genetics
Classification: Likely pathogenic for Usher syndrome type 2A; Retinitis pigmentosa 39. Last evaluated: 2024-05-07. Review status: criteria provided, single submitter. Criteria: ACMG Guidelines, 2015. Collection method: clinical testing. Allele origin: germline.

Dept Of Ophthalmology, Nagoya University
Classification: Pathogenic for Retinal dystrophy. Last evaluated: 2023-10-01. Review status: criteria provided, single submitter. Criteria: Submitter's publication. Collection method: research. Allele origin: germline. Affected: yes.